The following is an entry in ClinVar:

ClinVar aggregate classification (germline): Benign/Likely benign. Review status: criteria provided, multiple submitters, no conflicts (2 of 4 stars). 9 submissions from 9 submitters: Benign (1); Likely benign (7). 1 of the submissions does not count toward it. Last evaluated 2025-12-09.

Conditions:
Hereditary nonpolyposis colorectal neoplasms. Identifiers: MedGen C0009405, MeSH D003123.
Hereditary cancer-predisposing syndrome. Also called: Tumor predisposition; Hereditary Cancer Syndrome; Hereditary neoplastic syndrome; Neoplastic Syndromes, Hereditary. Identifiers: Orphanet 140162, MedGen C0027672, MeSH D009386, MONDO:0015356.
Lynch syndrome. Identifiers: Orphanet 144, MedGen C4552100, MONDO:0005835. Disease mechanism: loss of function.
Lynch syndrome 5 (LYNCH5). Also called: Colorectal cancer, hereditary nonpolyposis, type 5; Hereditary non-polyposis colorectal cancer, type 5. Identifiers: Orphanet 144, MedGen C1833477, MONDO:0013710, OMIM 614350. Disease mechanism: loss of function.

Allele frequency attached by ClinVar (database versions not stated): gnomAD exomes below 0.00001 and 0.00001; ExAC 0.00001.
gnomAD v4.1: 7 of 1,613,866 alleles (0.00043%); highest among the groups gnomAD compares: Non-Finnish European, 0.00059%; no homozygotes.

Submissions (9):

Labcorp Genetics (formerly Invitae), Labcorp
Classification: Likely benign for Hereditary nonpolyposis colorectal neoplasms. Last evaluated: 2025-12-09. Review status: criteria provided, single submitter. Criteria: Invitae Variant Classification Sherloc (09022015). Collection method: clinical testing. Allele origin: germline.

Women's Health and Genetics/Laboratory Corporation of America, LabCorp
Classification: Likely benign. Last evaluated: 2025-01-13. Review status: criteria provided, single submitter. Criteria: LabCorp Variant Classification Summary - May 2015. Collection method: clinical testing. Allele origin: germline.

Myriad Genetics, Inc.
Classification: Benign for Lynch syndrome 5. Last evaluated: 2025-01-03. Review status: criteria provided, single submitter. Criteria: Myriad Autosomal Dominant, Autosomal Recessive and X-Linked Classification Criteria (2023). Collection method: clinical testing. Allele origin: unknown.
Comment: This variant is considered benign. This variant is a silent/synonymous amino acid change and it is not expected to impact splicing.

Department of Pathology and Laboratory Medicine, Sinai Health System
Classification: Likely benign for Lynch syndrome. Last evaluated: 2023-09-14. Review status: criteria provided, single submitter. Criteria: ACMG Guidelines, 2015. Collection method: clinical testing. Allele origin: germline. Affected: yes.

Sema4
Classification: Likely benign for Hereditary cancer-predisposing syndrome. Last evaluated: 2021-05-10. Review status: criteria provided, single submitter. Criteria: Sema4 Curation Guidelines. Collection method: curation. Allele origin: germline.

GeneDx
Classification: Likely benign. Last evaluated: 2017-11-17. Review status: criteria provided, single submitter. Criteria: GeneDx Variant Classification (06012015). Collection method: clinical testing. Allele origin: germline. Affected: yes.
Comment: This variant is considered likely benign or benign based on one or more of the following criteria: it is a conservative change, it occurs at a poorly conserved position in the protein, it is predicted to be benign by multiple in silico algorithms, and/or has population frequency not consistent with disease.

Color Diagnostics, LLC DBA Color Health
Classification: Likely benign for Hereditary cancer-predisposing syndrome. Last evaluated: 2017-05-22. Review status: criteria provided, single submitter. Criteria: ACMG Guidelines, 2015. Collection method: clinical testing. Allele origin: germline.

Ambry Genetics
Classification: Likely benign for Hereditary cancer-predisposing syndrome. Last evaluated: 2014-08-19. Review status: criteria provided, single submitter. Criteria: Ambry Variant Classification Scheme 2023. Collection method: clinical testing. Allele origin: germline.

Mayo Clinic Laboratories, Mayo Clinic
Classification: Likely benign. Review status: no assertion criteria provided. Collection method: clinical testing. Allele origin: unknown. Not counted in ClinVar's aggregate classification.

NM_000179.3(MSH6):c.2877C>T (p.Arg959=)

Gene: MSH6 (mutS homolog 6; plus strand). Cytogenetic location: 2p16.3.
Variant type: single nucleotide variant.
Coding change: c.2877C>T on transcript NM_000179.3 (MANE Select); coding-DNA position 2877, C replaced by T.
Protein change: p.Arg959=; no amino-acid change (arginine 959 retained).
Molecular consequence: synonymous variant.
Genome position (GRCh38, 1-based): chr2:47,800,860, C>T. VCF-style: chr2-47800860-C-T. GRCh37 (hg19) VCF-style: chr2-48027999-C-T.
Other names: c.2487C>T, p.Arg829= (NM_001281492.2); c.1971C>T, p.Arg657= (NM_001281493.2, NM_001281494.2).
Identifiers: ClinVar variation 184156 (VCV000184156.29), dbSNP rs781734958, ClinGen allele CA011041.